The following is an entry in ClinVar:

ClinVar aggregate classification (germline): Uncertain significance. Review status: criteria provided, multiple submitters, no conflicts (2 of 4 stars). 2 submissions from 2 submitters: Uncertain significance (2). Last evaluated 2025-08-31.

Conditions:
Severe combined immunodeficiency due to DNA-PKcs deficiency. Also called: IMMUNODEFICIENCY 26 WITH NEUROLOGIC ABNORMALITIES; Immunodeficiency 26 with or without neurologic abnormalities. Identifiers: Orphanet 317425, MedGen C4014833, MONDO:0014423, OMIM 615966.

Allele frequency attached by ClinVar (database versions not stated): ExAC 0.00001; gnomAD exomes 0.00002 and 0.00003; gnomAD 0.00003; TOPMed 0.00003.
gnomAD v4.1: 48 of 1,607,266 alleles (0.003%); highest among the groups gnomAD compares: Non-Finnish European, 0.0037%; no homozygotes.

Submissions (2):

Ambry Genetics
Classification: Uncertain significance. Last evaluated: 2025-08-31. Review status: criteria provided, single submitter. Criteria: Ambry Variant Classification Scheme 2023. Collection method: clinical testing. Allele origin: germline.

Labcorp Genetics (formerly Invitae), Labcorp
Classification: Uncertain significance for Severe combined immunodeficiency due to DNA-PKcs deficiency. Last evaluated: 2024-02-23. Review status: criteria provided, single submitter. Criteria: Invitae Variant Classification Sherloc (09022015). Collection method: clinical testing. Allele origin: germline.
Comment: This sequence change replaces proline, which is neutral and non-polar, with threonine, which is neutral and polar, at codon 967 of the PRKDC protein (p.Pro967Thr). This variant is present in population databases (rs773103276, gnomAD 0.003%). This variant has not been reported in the literature in individuals affected with PRKDC-related conditions. ClinVar contains an entry for this variant (Variation ID: 837541). Advanced modeling of protein sequence and biophysical properties (such as structural, functional, and spatial information, amino acid conservation, physicochemical variation, residue mobility, and thermodynamic stability) performed at Invitae indicates that this missense variant is expected to disrupt PRKDC protein function with a positive predictive value of 80%. In summary, the available evidence is currently insufficient to determine the role of this variant in disease. Therefore, it has been classified as a Variant of Uncertain Significance.

NM_006904.7(PRKDC):c.2899C>A (p.Pro967Thr)

Gene: PRKDC (protein kinase, DNA-activated, catalytic subunit; minus strand). Cytogenetic location: 8q11.21.
Variant type: single nucleotide variant.
Coding change: c.2899C>A on transcript NM_006904.7 (MANE Select); coding-DNA position 2899, C replaced by A.
Protein change: p.Pro967Thr; replaces proline 967 with threonine.
Molecular consequence: missense variant.
Genome position (GRCh38, 1-based): chr8:47,912,445, G>T on the plus strand (C>A on the coding strand, the complement: PRKDC is on the minus strand). VCF-style: chr8-47912445-G-T. GRCh37 (hg19) VCF-style: chr8-48825005-G-T.
Other names: c.2899C>A, p.Pro967Thr (NM_001081640.2); short protein forms P967T.
Identifiers: ClinVar variation 837541 (VCV000837541.9), dbSNP rs773103276, ClinGen allele CA4741336.